The following is an entry in ClinVar:

NM_006361.6(HOXB13):c.314C>A (p.Thr105Asn)

Gene: HOXB13 (homeobox B13; minus strand). Cytogenetic location: 17q21.32.
Variant type: single nucleotide variant.
Coding change: c.314C>A on transcript NM_006361.6 (MANE Select); coding-DNA position 314, C replaced by A.
Protein change: p.Thr105Asn; replaces threonine 105 with asparagine.
Molecular consequence: missense variant.
Genome position (GRCh38, 1-based): chr17:48,728,280, G>T on the plus strand (C>A on the coding strand, the complement: HOXB13 is on the minus strand). VCF-style: chr17-48728280-G-T. GRCh37 (hg19) VCF-style: chr17-46805642-G-T.
Other names: short protein forms T105N.
Identifiers: ClinVar variation 1412511 (VCV001412511.8), dbSNP rs140492479, ClinGen allele CA400107709.

ClinVar aggregate classification (germline): Uncertain significance (1 of 4 stars; one submission).

Submission:

Labcorp Genetics (formerly Invitae), Labcorp
Classification: Uncertain significance. Last evaluated: 2021-03-02. Review status: criteria provided, single submitter. Criteria: Invitae Variant Classification Sherloc (09022015). Collection method: clinical testing. Allele origin: germline.
Comment: This sequence change replaces threonine with asparagine at codon 105 of the HOXB13 protein (p.Thr105Asn). The threonine residue is weakly conserved and there is a small physicochemical difference between threonine and asparagine. This variant is not present in population databases (ExAC no frequency). This variant has not been reported in the literature in individuals with HOXB13-related conditions. Algorithms developed to predict the effect of missense changes on protein structure and function (SIFT, PolyPhen-2, Align-GVGD) all suggest that this variant is likely to be tolerated, but these predictions have not been confirmed by published functional studies and their clinical significance is uncertain. In summary, the available evidence is currently insufficient to determine the role of this variant in disease. Therefore, it has been classified as a Variant of Uncertain Significance.